The following is an entry in ClinVar:

NM_000297.4(PKD2):c.602G>A (p.Trp201Ter)

Gene: PKD2 (polycystin 2, transient receptor potential cation channel; plus strand). Cytogenetic location: 4q22.1.
Variant type: single nucleotide variant.
Coding change: c.602G>A on transcript NM_000297.4 (MANE Select); coding-DNA position 602, G replaced by A.
Protein change: p.Trp201Ter; replaces tryptophan 201 with a stop codon.
Molecular consequence: nonsense. On other transcripts: non-coding transcript variant (1).
Genome position (GRCh38, 1-based): chr4:88,019,464, G>A. VCF-style: chr4-88019464-G-A. GRCh37 (hg19) VCF-style: chr4-88940616-G-A.
Other names: NC_000004.11:g.88940616G>A; p.Trp201*; c.602G>A (NM_000297.3); short protein forms W201*.
Identifiers: ClinVar variation 873375 (VCV000873375.8), dbSNP rs1726673986, ClinGen allele CA357628179.

ClinVar aggregate classification (germline): Pathogenic. Review status: criteria provided, multiple submitters, no conflicts (2 of 4 stars). 7 submissions from 7 submitters: Pathogenic (6). 1 of the submissions does not count toward it. Last evaluated 2025-10-31.

Conditions:
Polycystic kidney disease 2 (PKD2). Also called: Polycystic Kidney Disease 2, Autosomal Dominant; POLYCYSTIC KIDNEY DISEASE 2 WITH OR WITHOUT POLYCYSTIC LIVER DISEASE; POLYCYSTIC KIDNEY DISEASE, ADULT, TYPE II. Identifiers: MedGen C2751306, MONDO:0013131, OMIM 613095.
PKD2-related disorder. Also called: PKD2-related condition.

Allele frequency attached by ClinVar (database versions not stated): gnomAD exomes below 0.00001.

Submissions (8):

Mayo Clinic Laboratories, Mayo Clinic
Classification: Pathogenic. Last evaluated: 2025-10-31. Review status: criteria provided, single submitter. Criteria: ACMG Guidelines, 2015. Collection method: clinical testing. Allele origin: germline. Observed: 1 variant allele.
Comment: PM2_supporting, PS4_moderate, PVS1

GeneDx
Classification: Pathogenic. Last evaluated: 2025-08-05. Review status: criteria provided, single submitter. Criteria: GeneDx Variant Classification Process June 2021. Collection method: clinical testing. Allele origin: germline. Affected: yes.
Comment: Nonsense variant predicted to result in protein truncation or nonsense mediated decay in a gene for which loss of function is a known mechanism of disease; Not observed at significant frequency in large population cohorts (gnomAD); This variant is associated with the following publications: (PMID: 25525159, 31317121, 33454723, 12842373, 38481516)

Department of Pathology and Laboratory Medicine, Sinai Health System
Classification: Pathogenic for Polycystic kidney disease 2. Last evaluated: 2024-03-04. Review status: criteria provided, single submitter. Criteria: ACMG Guidelines, 2015. Collection method: clinical testing. Allele origin: germline. Affected: yes.

Blueprint Genetics
Classification: Pathogenic for PKD2-related disorders. Last evaluated: 2023-06-06. Review status: criteria provided, single submitter. Criteria: ACMG Guidelines, 2015. Collection method: clinical testing. Allele origin: germline. Affected: yes. Observed: 1 variant allele.

Athena Diagnostics
Classification: Pathogenic. Last evaluated: 2021-04-13. Review status: criteria provided, single submitter. Criteria: Athena Diagnostics criteria. Collection method: clinical testing. Allele origin: unknown.
Comment: This variant is expected to result in the loss of a functional protein. This variant has not been reported in large, multi-ethnic general populations. This variant has been identified in at least one individual with clinical features associated with this gene.

Cavalleri Lab, Royal College of Surgeons in Ireland
Classification: Pathogenic for Polycystic kidney disease 2. Last evaluated: 2020-02-05. Review status: criteria provided, single submitter. Criteria: ACMG Guidelines, 2015. Collection method: research. Allele origin: unknown. Inheritance: Autosomal dominant inheritance. Affected: yes.
Comment: PVS1, PM2, PP3, PP4, PP5

PreventionGenetics, part of Exact Sciences
Classification: Pathogenic for PKD2-related condition. Last evaluated: 2024-07-02. Review status: no assertion criteria provided. Collection method: clinical testing. Allele origin: germline. Not counted in ClinVar's aggregate classification.
Comment: The PKD2 c.602G>A variant is predicted to result in premature protein termination (p.Trp201*). This variant was reported in an individual with polycystic kidney disease (Rossetti et al. 2003. PubMed ID: 12842373; Table S1, Lanktree et al. 2019. PubMed ID: 31317121; Benson et al. 2021. PubMed ID: 33454723). This variant has not been reported in gnomAD, indicating this variant is rare. Nonsense variants in PKD2 are expected to be pathogenic. This variant is interpreted as pathogenic.

Dr. Peter K. Rogan Lab, Western University
No classification provided (evidence only). Condition: Thyroid cancer, nonmedullary, 1. Review status: no classification provided. Collection method: in vitro. Allele origin: not applicable. Functional consequence: retained intron. Not counted in ClinVar's aggregate classification.

Literature cited by the submitters: PubMed 12842373 (cited by 3 submitters); PubMed 31317121 (cited by 3 submitters); PubMed 33454723 (cited by Mayo Clinic Laboratories, Mayo Clinic).